The following is an entry in ClinVar:

NM_001371904.1(APOA5):c.454C>T (p.Arg152Cys)

Gene: APOA5 (apolipoprotein A5; minus strand). Cytogenetic location: 11q23.3.
Variant type: single nucleotide variant.
Coding change: c.454C>T on transcript NM_001371904.1 (MANE Select); coding-DNA position 454, C replaced by T.
Protein change: p.Arg152Cys; replaces arginine 152 with cysteine.
Molecular consequence: missense variant.
Genome position (GRCh38, 1-based): chr11:116,790,775, G>A on the plus strand (C>T on the coding strand, the complement: APOA5 is on the minus strand). VCF-style: chr11-116790775-G-A. GRCh37 (hg19) VCF-style: chr11-116661491-G-A.
Other names: c.454C>T, p.Arg152Cys (NM_001166598.2, NM_052968.5); short protein forms R152C.
Identifiers: ClinVar variation 2587096 (VCV002587096.2), dbSNP rs916656857, ClinGen allele CA229337960.

ClinVar aggregate classification (germline): Uncertain significance (1 of 4 stars; one submission).

Conditions:
Cardiovascular phenotype. Identifiers: MedGen CN230736.

Allele frequency attached by ClinVar (database versions not stated): gnomAD 0.00001.

Submission:

Ambry Genetics
Classification: Uncertain significance for Cardiovascular phenotype. Last evaluated: 2023-06-29. Review status: criteria provided, single submitter. Criteria: Ambry Variant Classification Scheme 2023. Collection method: clinical testing. Allele origin: germline.
Comment: The p.R152C variant (also known as c.454C>T), located in coding exon 3 of the APOA5 gene, results from a C to T substitution at nucleotide position 454. The arginine at codon 152 is replaced by cysteine, an amino acid with highly dissimilar properties. This amino acid position is conserved. In addition, the in silico prediction for this alteration is inconclusive. Since supporting evidence is limited at this time, the clinical significance of this alteration remains unclear.